The following is an entry in ClinVar:

NM_001093.4(ACACB):c.6491T>C (p.Met2164Thr)

Gene: ACACB (acetyl-CoA carboxylase beta; plus strand). Cytogenetic location: 12q24.11.
Variant type: single nucleotide variant.
Coding change: c.6491T>C on transcript NM_001093.4 (MANE Select); coding-DNA position 6491, T replaced by C.
Protein change: p.Met2164Thr; replaces methionine 2164 with threonine.
Molecular consequence: missense variant.
Genome position (GRCh38, 1-based): chr12:109,259,103, T>C. VCF-style: chr12-109259103-T-C. GRCh37 (hg19) VCF-style: chr12-109696908-T-C.
Other names: c.6491T>C, p.Met2164Thr (NM_001412734.1, NM_001412735.1); c.5885T>C, p.Met1962Thr (NM_001412736.1); c.5864T>C, p.Met1955Thr (NM_001412737.1); c.5696T>C, p.Met1899Thr (NM_001412738.1); short protein forms M1899T, M1955T, M1962T, M2164T.
Identifiers: ClinVar variation 3034127 (VCV003034127.2), dbSNP rs1408784649, ClinGen allele CA386482977.
Genomic context (GRCh38, chr12:109,259,103, plus strand): 5'-TCAACCGGGAGAAGTTGCCCCTGATGATCTTTGCCAACTGGAGGGGGTTCTCCGGTGGCA[T>C]GAAAGGTAAGCCCCTCCCTGCCTATGTTACCCCAAAGCCTTGGGGTCAGCACCCAGGACA-3'
Protein context (NP_001084.3, residues 2154-2174): FANWRGFSGG[Met2164Thr]KDMYDQVLKF

ClinVar aggregate classification (germline): Uncertain significance (0 of 4 stars; one submission).

Conditions:
ACACB-related disorder. Also called: ACACB-related condition.

Allele frequency attached by ClinVar (database versions not stated): TOPMed 0.00001; gnomAD 0.00002.
gnomAD v4.1: 6 of 1,613,714 alleles (0.00037%); highest among the groups gnomAD compares: African/African-American, 0.0067%; no homozygotes.

Submission:

PreventionGenetics, part of Exact Sciences
Classification: Uncertain significance for ACACB-related condition. Last evaluated: 2023-11-06. Review status: no assertion criteria provided. Collection method: clinical testing. Allele origin: germline.
Comment: The ACACB c.6491T>C variant is predicted to result in the amino acid substitution p.Met2164Thr. To our knowledge, this variant has not been reported in the literature or in a large population database, indicating this variant is rare. At this time, the clinical significance of this variant is uncertain due to the absence of conclusive functional and genetic evidence.